The following is an entry in ClinVar:

ClinVar aggregate classification (germline): Benign/Likely benign. Review status: criteria provided, multiple submitters, no conflicts (2 of 4 stars). 4 submissions from 4 submitters: Benign (3); Likely benign (1). Last evaluated 2024-11-26.

Conditions:
Medium-chain acyl-coenzyme A dehydrogenase deficiency (ACADMD). Also called: CARNITINE DEFICIENCY SECONDARY TO MEDIUM-CHAIN ACYL-CoA DEHYDROGENASE DEFICIENCY; MCADH DEFICIENCY; Medium chain acyl-CoA dehydrogenase deficiency; MCAD Deficiency; MCADD; ACADM DEFICIENCY. Identifiers: Orphanet 42, MedGen C0220710, MONDO:0008721, OMIM 201450.

Allele frequency attached by ClinVar (database versions not stated): 1000 Genomes Project 0.23103; 1000 Genomes Project 30x 0.23969; ExAC 0.27305; gnomAD exomes 0.27487 and 0.31124; gnomAD 0.29952 and 0.30613; TOPMed 0.30157; ESP Exome Variant Server 0.31932.

Submissions (4):

Blueprint Genetics
Classification: Likely benign. Last evaluated: 2024-11-26. Review status: criteria provided, single submitter. Criteria: ACMG Guidelines, 2015. Collection method: clinical testing. Allele origin: germline.

Genome-Nilou Lab
Classification: Benign for Medium-chain acyl-coenzyme A dehydrogenase deficiency. Last evaluated: 2021-07-01. Review status: criteria provided, single submitter. Criteria: ACMG Guidelines, 2015. Collection method: clinical testing. Allele origin: germline. Affected: no.

GeneDx
Classification: Benign. Last evaluated: 2018-06-16. Review status: criteria provided, single submitter. Criteria: GeneDx Variant Classification (06012015). Collection method: clinical testing. Allele origin: germline. Affected: yes.
Comment: This variant is considered likely benign or benign based on one or more of the following criteria: it is a conservative change, it occurs at a poorly conserved position in the protein, it is predicted to be benign by multiple in silico algorithms, and/or has population frequency not consistent with disease.

Breakthrough Genomics
Classification: Benign. Review status: criteria provided, single submitter. Criteria: ACMG Guidelines, 2015. Collection method: not provided. Allele origin: germline. Inheritance: Autosomal recessive inheritance. Affected: yes.

NM_000016.6(ACADM):c.286+178G>A

Gene: ACADM (acyl-CoA dehydrogenase medium chain; plus strand). Cytogenetic location: 1p31.1.
Variant type: single nucleotide variant.
Coding change: c.286+178G>A on transcript NM_000016.6 (MANE Select); 178 bases into the intron after coding-DNA position 286, G replaced by A.
Molecular consequence: intron variant. On other transcripts: synonymous variant (1).
Genome position (GRCh38, 1-based): chr1:75,733,100, G>A. VCF-style: chr1-75733100-G-A. GRCh37 (hg19) VCF-style: chr1-76198785-G-A.
Other names: c.336G>A, p.Ala112= (NM_001286043.2); c.298+178G>A (NM_001127328.3); c.178+178G>A (NM_001286042.2); c.-100+178G>A (NM_001286044.2).
Identifiers: ClinVar variation 676189 (VCV000676189.6), dbSNP rs3818855, ClinGen allele CA913034.